The following is an entry in ClinVar:

NM_174936.4(PCSK9):c.234C>T (p.Tyr78=)

Gene: PCSK9 (proprotein convertase subtilisin/kexin type 9; plus strand). Cytogenetic location: 1p32.3.
Variant type: single nucleotide variant.
Coding change: c.234C>T on transcript NM_174936.4 (MANE Select); coding-DNA position 234, C replaced by T.
Protein change: p.Tyr78=; no amino-acid change (tyrosine 78 retained).
Molecular consequence: synonymous variant.
Genome position (GRCh38, 1-based): chr1:55,043,869, C>T. VCF-style: chr1-55043869-C-T. GRCh37 (hg19) VCF-style: chr1-55509542-C-T.
Identifiers: ClinVar variation 921575 (VCV000921575.14), dbSNP rs779758641, ClinGen allele CA040935.

ClinVar aggregate classification (germline): Likely benign. Review status: criteria provided, multiple submitters, no conflicts (2 of 4 stars). 4 submissions from 4 submitters: Likely benign (4). Last evaluated 2026-02-03.

Conditions:
Cardiovascular phenotype. Identifiers: MedGen CN230736.
Familial hypercholesterolemia. Also called: Familial hypercholesterolemias; Familial hypercholesterolaemia. Identifiers: MedGen C0020445, MONDO:0005439.
Hypercholesterolemia, autosomal dominant, 3 (FHCL3). Also called: Familial hypercholesterolemia 3; Familial Hypercholesterolemia, Autosomal Dominant, 3; PCSK9-Related Familial Hypercholesterolemia, Autosomal Dominant. Identifiers: MedGen C1863551, MONDO:0011369, OMIM 603776.

Allele frequency attached by ClinVar (database versions not stated): ExAC 0.00002; gnomAD exomes 0.00002 and 0.00004; TOPMed 0.00002; gnomAD 0.00003.
gnomAD v4.1: 35 of 1,614,090 alleles (0.0022%); highest among the groups gnomAD compares: Middle Eastern, 0.016%; no homozygotes.

Submissions (4):

Labcorp Genetics (formerly Invitae), Labcorp
Classification: Likely benign for Hypercholesterolemia, autosomal dominant, 3. Last evaluated: 2026-02-03. Review status: criteria provided, single submitter. Criteria: Invitae Variant Classification Sherloc (09022015). Collection method: clinical testing. Allele origin: germline.

All of Us Research Program, National Institutes of Health
Classification: Likely benign for Hypercholesterolemia, autosomal dominant, 3. Last evaluated: 2023-12-18. Review status: criteria provided, single submitter. Criteria: ACMG Guidelines, 2015. Collection method: clinical testing. Allele origin: germline. Inheritance: Autosomal dominant inheritance. Observed: 3 variant alleles, 3 heterozygotes.
Comment: This study involves interpretation of variants in research participants for the purpose of population health screening. Participant phenotype was not available at the time of variant classification. Additional details can be found in publication PMID: 35346344, PMCID: PMC8962531

Ambry Genetics
Classification: Likely benign for Cardiovascular phenotype. Last evaluated: 2019-09-28. Review status: criteria provided, single submitter. Criteria: Ambry Variant Classification Scheme 2023. Collection method: clinical testing. Allele origin: germline.

Color Diagnostics, LLC DBA Color Health
Classification: Likely benign for Familial hypercholesterolemia. Last evaluated: 2018-11-11. Review status: criteria provided, single submitter. Criteria: ACMG Guidelines, 2015. Collection method: clinical testing. Allele origin: germline.